The following is an entry in ClinVar:

NM_005422.4(TECTA):c.1509C>T (p.Cys503=)

Genes: TBCEL-TECTA (TBCEL-TECTA readthrough; plus strand), TECTA (tectorin alpha; plus strand). Cytogenetic location: 11q23.3.
Variant type: single nucleotide variant.
Coding change: c.1509C>T on transcript NM_005422.4 (MANE Select); coding-DNA position 1509, C replaced by T.
Protein change: p.Cys503=; no amino-acid change (cysteine 503 retained).
Molecular consequence: synonymous variant.
Genome position (GRCh38, 1-based): chr11:121,125,607, C>T. VCF-style: chr11-121125607-C-T. GRCh37 (hg19) VCF-style: chr11-120996316-C-T.
Other names: c.2466C>T, p.Cys822= (NM_001378761.1).
Identifiers: ClinVar variation 303000 (VCV000303000.21), dbSNP rs61733565, ClinGen allele CA6326766.

ClinVar aggregate classification (germline): Conflicting classifications of pathogenicity. Review status: criteria provided, conflicting classifications (1 of 4 stars). 8 submissions from 7 submitters: Uncertain significance (1); Likely benign (6). 1 of the submissions does not count toward it. Last evaluated 2026-07-01.

Conditions:
Autosomal recessive nonsyndromic hearing loss 21. Identifiers: Orphanet 90636, MedGen C1863655, MONDO:0011351, OMIM 603629.
Autosomal dominant nonsyndromic hearing loss 12. Also called: DEAFNESS, AUTOSOMAL DOMINANT 8. Identifiers: Orphanet 90635, MedGen C1832187, MONDO:0011102, OMIM 601543.
TECTA-related disorder. Also called: TECTA-related condition.

Allele frequency attached by ClinVar (database versions not stated): gnomAD 0.00048 and 0.00050; ESP Exome Variant Server 0.00054; ExAC 0.00061; gnomAD exomes 0.00066 and 0.00078; TOPMed 0.00068.
gnomAD v4.1: 1,206 of 1,613,630 alleles (0.075%); highest among the groups gnomAD compares: Middle Eastern, 0.16%; no homozygotes.

Submissions (8):

CeGaT Center for Human Genetics Tuebingen
Classification: Likely benign. Last evaluated: 2026-07-01. Review status: criteria provided, single submitter. Criteria: CeGaT Center For Human Genetics Tuebingen Variant Classification Criteria Version 2. Collection method: clinical testing. Allele origin: germline. Affected: yes. Observed: 1 variant allele.
Comment: TECTA: BP4, BP7

Labcorp Genetics (formerly Invitae), Labcorp
Classification: Likely benign. Last evaluated: 2025-09-16. Review status: criteria provided, single submitter. Criteria: Invitae Variant Classification Sherloc (09022015). Collection method: clinical testing. Allele origin: germline.

Blueprint Genetics
Classification: Likely benign. Last evaluated: 2024-11-19. Review status: criteria provided, single submitter. Criteria: ACMG Guidelines, 2015. Collection method: clinical testing. Allele origin: germline.

GeneDx
Classification: Likely benign. Last evaluated: 2020-10-02. Review status: criteria provided, single submitter. Criteria: GeneDx Variant Classification Process June 2021. Collection method: clinical testing. Allele origin: germline. Affected: yes.

Illumina Laboratory Services, Illumina
Classification: Uncertain significance for Autosomal recessive nonsyndromic hearing loss 21. Last evaluated: 2018-01-12. Review status: criteria provided, single submitter. Criteria: ICSL Variant Classification Criteria 13 December 2019. Collection method: clinical testing. Allele origin: germline.

Illumina Laboratory Services, Illumina
Classification: Likely benign for Autosomal dominant nonsyndromic hearing loss 12. Last evaluated: 2018-01-12. Review status: criteria provided, single submitter. Criteria: ICSL Variant Classification Criteria 13 December 2019. Collection method: clinical testing. Allele origin: germline.
Comment: This variant was observed in the ICSL laboratory as part of a predisposition screen in an ostensibly healthy population. It had not been previously curated by ICSL or reported in the Human Gene Mutation Database (HGMD: prior to June 1st, 2018), and was therefore a candidate for classification through an automated scoring system. Utilizing variant allele frequency, disease prevalence and penetrance estimates, and inheritance mode, an automated score was calculated to assess if this variant is too frequent to cause the disease. Based on the score and internal cut-off values, a variant classified as likely benign is not then subjected to further curation. The score for this variant resulted in a classification of likely benign for this disease.

Laboratory for Molecular Medicine, Mass General Brigham Personalized Medicine
Classification: Likely benign. Last evaluated: 2017-05-25. Review status: criteria provided, single submitter. Criteria: LMM Criteria. Collection method: clinical testing. Allele origin: germline. Observed: 3 variant alleles.
Comment: p.Cys503Cys in Exon 7 of TECTA: This variant is not expected to have clinical si gnificance because it does not alter an amino acid residue, is not located withi n the splice consensus sequence, and has been identified in 0.2% (59/34384) of L atino chromosomes by the Genome Aggregation Database (gnomAD; dbSNP rs61733565).

PreventionGenetics, part of Exact Sciences
Classification: Likely benign for TECTA-related condition. Last evaluated: 2023-12-12. Review status: no assertion criteria provided. Collection method: clinical testing. Allele origin: germline. Not counted in ClinVar's aggregate classification.
Comment: This variant is classified as likely benign based on ACMG/AMP sequence variant interpretation guidelines (Richards et al. 2015 PMID: 25741868, with internal and published modifications).